The following is an entry in ClinVar:

NM_004237.4(TRIP13):c.98C>T (p.Ala33Val)

Gene: TRIP13 (thyroid hormone receptor interactor 13; plus strand). Cytogenetic location: 5p15.33.
Variant type: single nucleotide variant.
Coding change: c.98C>T on transcript NM_004237.4 (MANE Select); coding-DNA position 98, C replaced by T.
Protein change: p.Ala33Val; replaces alanine 33 with valine.
Molecular consequence: missense variant.
Genome position (GRCh38, 1-based): chr5:894,792, C>T. VCF-style: chr5-894792-C-T. GRCh37 (hg19) VCF-style: chr5-894907-C-T.
Other names: c.98C>T, p.Ala33Val (NM_001166260.2); short protein forms A33V.
Identifiers: ClinVar variation 3664466 (VCV003664466.2).

ClinVar aggregate classification (germline): Uncertain significance (1 of 4 stars; one submission).

gnomAD v4.1: 1 of 1,595,876 alleles (0.000063%); highest among the groups gnomAD compares: South Asian, 0.0012%; no homozygotes.

Submission:

Labcorp Genetics (formerly Invitae), Labcorp
Classification: Uncertain significance. Last evaluated: 2024-09-04. Review status: criteria provided, single submitter. Criteria: Invitae Variant Classification Sherloc (09022015). Collection method: clinical testing. Allele origin: germline.
Comment: This sequence change replaces alanine, which is neutral and non-polar, with valine, which is neutral and non-polar, at codon 33 of the TRIP13 protein (p.Ala33Val). This variant is not present in population databases (gnomAD no frequency). This variant has not been reported in the literature in individuals affected with TRIP13-related conditions. An algorithm developed to predict the effect of missense changes on protein structure and function (PolyPhen-2) suggests that this variant is likely to be tolerated. In summary, the available evidence is currently insufficient to determine the role of this variant in disease. Therefore, it has been classified as a Variant of Uncertain Significance.